The following is an entry in ClinVar:

NM_001283009.2(RTEL1):c.3329T>A (p.Phe1110Tyr)

Genes: RTEL1-TNFRSF6B (RTEL1-TNFRSF6B readthrough (NMD candidate); plus strand), RTEL1 (regulator of telomere elongation helicase 1; plus strand). Cytogenetic location: 20q13.33.
Variant type: single nucleotide variant.
Coding change: c.3329T>A on transcript NM_001283009.2 (MANE Select); coding-DNA position 3329, T replaced by A.
Protein change: p.Phe1110Tyr; replaces phenylalanine 1110 with tyrosine.
Molecular consequence: missense variant. On other transcripts: non-coding transcript variant (1).
Genome position (GRCh38, 1-based): chr20:63,694,960, T>A. VCF-style: chr20-63694960-T-A. GRCh37 (hg19) VCF-style: chr20-62326313-T-A.
Other names: c.2660T>A, p.Phe887Tyr (NM_001283010.1); c.3329T>A, p.Phe1110Tyr (NM_016434.4); c.3401T>A, p.Phe1134Tyr (NM_032957.5); short protein forms F1110Y, F1134Y, F887Y.
Identifiers: ClinVar variation 436595 (VCV000436595.16), dbSNP rs148621466, ClinGen allele CA9965955.

ClinVar aggregate classification (germline): Uncertain significance. Review status: criteria provided, multiple submitters, no conflicts (2 of 4 stars). 6 submissions from 6 submitters: Uncertain significance (5). 1 of the submissions does not count toward it. Last evaluated 2026-01-07.

Conditions:
Dyskeratosis congenita. Identifiers: Orphanet 1775, MedGen C0265965, MONDO:0015780.
Dyskeratosis congenita, autosomal recessive 5 (DKCB5). Identifiers: MedGen C3554656, MONDO:0014076, OMIM 615190.
Pulmonary fibrosis and/or bone marrow failure, Telomere-related, 3. Also called: PULMONARY FIBROSIS AND/OR BONE MARROW FAILURE SYNDROME, TELOMERE-RELATED, 3. Identifiers: Orphanet 2032, MedGen C4225346, MONDO:0014613, OMIM 616373.

Allele frequency attached by ClinVar (database versions not stated): gnomAD 0.00001; gnomAD exomes 0.00001 and 0.00002; TOPMed 0.00002; ExAC 0.00003; ESP Exome Variant Server 0.00015.
gnomAD v4.1: 16 of 1,612,060 alleles (0.00099%); highest among the groups gnomAD compares: African/African-American, 0.0013%; no homozygotes.

Submissions (6):

Labcorp Genetics (formerly Invitae), Labcorp
Classification: Uncertain significance for Dyskeratosis congenita, autosomal recessive 5; Pulmonary fibrosis and/or bone marrow failure, Telomere-related, 3. Last evaluated: 2026-01-07. Review status: criteria provided, single submitter. Criteria: Invitae Variant Classification Sherloc (09022015). Collection method: clinical testing. Allele origin: germline.
Comment: This sequence change replaces phenylalanine, which is neutral and non-polar, with tyrosine, which is neutral and polar, at codon 1110 of the RTEL1 protein (p.Phe1110Tyr). This variant is present in population databases (rs148621466, gnomAD 0.004%). This variant has not been reported in the literature in individuals affected with RTEL1-related conditions. ClinVar contains an entry for this variant (Variation ID: 436595). An algorithm developed to predict the effect of missense changes on protein structure and function (PolyPhen-2) suggests that this variant is likely to be disruptive. In summary, the available evidence is currently insufficient to determine the role of this variant in disease. Therefore, it has been classified as a Variant of Uncertain Significance.

Fulgent Genetics
Classification: Uncertain significance for Dyskeratosis congenita, autosomal recessive 5; Pulmonary fibrosis and/or bone marrow failure, Telomere-related, 3. Last evaluated: 2024-01-02. Review status: criteria provided, single submitter. Criteria: ACMG Guidelines, 2015. Collection method: clinical testing. Allele origin: germline.

GeneDx
Classification: Uncertain significance. Last evaluated: 2022-11-08. Review status: criteria provided, single submitter. Criteria: GeneDx Variant Classification Process June 2021. Collection method: clinical testing. Allele origin: germline. Affected: yes.
Comment: In silico analysis supports that this missense variant does not alter protein structure/function; Has not been previously published as pathogenic or benign to our knowledge

Revvity Omics, Revvity
Classification: Uncertain significance. Last evaluated: 2021-06-23. Review status: criteria provided, single submitter. Criteria: ACMG Guidelines, 2015. Collection method: clinical testing. Allele origin: germline.

Genetic Services Laboratory, University of Chicago
Classification: Uncertain significance. Last evaluated: 2016-11-21. Review status: criteria provided, single submitter. Criteria: ACMG Guidelines, 2015. Collection method: clinical testing. Allele origin: germline. Affected: no.

Natera, Inc.
Classification: Uncertain significance for Dyskeratosis congenita. Last evaluated: 2019-11-11. Review status: no assertion criteria provided. Collection method: clinical testing. Allele origin: germline. Not counted in ClinVar's aggregate classification.